The following is an entry in ClinVar:

ClinVar aggregate classification (germline): Uncertain significance. Review status: criteria provided, multiple submitters, no conflicts (2 of 4 stars). 2 submissions from 2 submitters: Uncertain significance (2). Last evaluated 2022-08-16.

Conditions:
LAMB2-related infantile-onset nephrotic syndrome. Also called: NEPHROTIC SYNDROME, TYPE 5, WITHOUT OCULAR ABNORMALITIES; NEPHROTIC SYNDROME, TYPE 5, WITH OCULAR ABNORMALITIES; Nephrotic Syndrome, type 5. Identifiers: Orphanet 306507, MedGen C3280113, MONDO:0013621, OMIM 614199.
Pierson syndrome. Also called: MICROCORIA-CONGENITAL NEPHROTIC SYNDROME. Identifiers: Orphanet 2670, MedGen C1836876, MONDO:0012184, OMIM 609049.

Allele frequency attached by ClinVar (database versions not stated): TOPMed 0.00001.
gnomAD v4.1: 57 of 1,614,088 alleles (0.0035%); highest among the groups gnomAD compares: Non-Finnish European, 0.0047%; no homozygotes.

Submissions (2):

Labcorp Genetics (formerly Invitae), Labcorp
Classification: Uncertain significance for LAMB2-related infantile-onset nephrotic syndrome; Pierson syndrome. Last evaluated: 2022-08-16. Review status: criteria provided, single submitter. Criteria: Invitae Variant Classification Sherloc (09022015). Collection method: clinical testing. Allele origin: germline.
Comment: In summary, the available evidence is currently insufficient to determine the role of this variant in disease. Therefore, it has been classified as a Variant of Uncertain Significance. Algorithms developed to predict the effect of sequence changes on RNA splicing suggest that this variant may create or strengthen a splice site. Algorithms developed to predict the effect of missense changes on protein structure and function are either unavailable or do not agree on the potential impact of this missense change (SIFT: "Tolerated"; PolyPhen-2: "Possibly Damaging"; Align-GVGD: "Class C0"). ClinVar contains an entry for this variant (Variation ID: 539735). This variant has not been reported in the literature in individuals affected with LAMB2-related conditions. This variant is present in population databases (no rsID available, gnomAD 0.007%). This sequence change replaces arginine, which is basic and polar, with proline, which is neutral and non-polar, at codon 95 of the LAMB2 protein (p.Arg95Pro).

Fulgent Genetics
Classification: Uncertain significance for Pierson syndrome; LAMB2-related infantile-onset nephrotic syndrome. Last evaluated: 2021-11-02. Review status: criteria provided, single submitter. Criteria: ACMG Guidelines, 2015. Collection method: clinical testing. Allele origin: unknown.

NM_002292.4(LAMB2):c.284G>C (p.Arg95Pro)

Gene: LAMB2 (laminin subunit beta 2; minus strand). Cytogenetic location: 3p21.31.
Variant type: single nucleotide variant.
Coding change: c.284G>C on transcript NM_002292.4 (MANE Select); coding-DNA position 284, G replaced by C.
Protein change: p.Arg95Pro; replaces arginine 95 with proline.
Molecular consequence: missense variant.
Genome position (GRCh38, 1-based): chr3:49,132,371, C>G on the plus strand (G>C on the coding strand, the complement: LAMB2 is on the minus strand). VCF-style: chr3-49132371-C-G. GRCh37 (hg19) VCF-style: chr3-49169804-C-G.
Other names: short protein forms R95P.
Identifiers: ClinVar variation 539735 (VCV000539735.7), dbSNP rs147691227, ClinGen allele CA352755107.